The following is an entry in ClinVar:

NM_001033044.4(GLUL):c.855C>G (p.Ile285Met)

Gene: GLUL (glutamate-ammonia ligase; minus strand). Cytogenetic location: 1q25.3.
Variant type: single nucleotide variant.
Coding change: c.855C>G on transcript NM_001033044.4 (MANE Select); coding-DNA position 855, C replaced by G.
Protein change: p.Ile285Met; replaces isoleucine 285 with methionine.
Molecular consequence: missense variant.
Genome position (GRCh38, 1-based): chr1:182,384,672, G>C on the plus strand (C>G on the coding strand, the complement: GLUL is on the minus strand). VCF-style: chr1-182384672-G-C. GRCh37 (hg19) VCF-style: chr1-182353807-G-C.
Other names: c.855C>G, p.Ile285Met (NM_001033056.4, NM_002065.7); short protein forms I285M.
Identifiers: ClinVar variation 3383843 (VCV003383843.1).

ClinVar aggregate classification (germline): Uncertain significance (1 of 4 stars; one submission).

Submission:

GeneDx
Classification: Uncertain significance. Last evaluated: 2024-05-30. Review status: criteria provided, single submitter. Criteria: GeneDx Variant Classification Process June 2021. Collection method: clinical testing. Allele origin: germline. Affected: yes.
Comment: Not observed at significant frequency in large population cohorts (gnomAD); In silico analysis supports that this missense variant has a deleterious effect on protein structure/function; Has not been previously published as pathogenic or benign to our knowledge